The following is an entry in ClinVar:

NM_001365951.3(KIF1B):c.2847G>A (p.Thr949=)

Genes: KIF1B (kinesin family member 1B; plus strand), LOC126805614 (BRD4-independent group 4 enhancer GRCh37_chr1:10385546-10386745; plus strand). Cytogenetic location: 1p36.22.
Variant type: single nucleotide variant.
Coding change: c.2847G>A on transcript NM_001365951.3 (MANE Select); coding-DNA position 2847, G replaced by A.
Protein change: p.Thr949=; no amino-acid change (threonine 949 retained).
Molecular consequence: synonymous variant.
Genome position (GRCh38, 1-based): chr1:10,326,282, G>A. VCF-style: chr1-10326282-G-A. GRCh37 (hg19) VCF-style: chr1-10386340-G-A.
Other names: c.2847G>A, p.Thr949= (NM_001365952.1); c.2709G>A, p.Thr903= (NM_015074.3).
Identifiers: ClinVar variation 1795018 (VCV001795018.12), dbSNP rs1231049477, ClinGen allele CA416034299.

ClinVar aggregate classification (germline): Likely benign. Review status: criteria provided, multiple submitters, no conflicts (2 of 4 stars). 3 submissions from 3 submitters: Likely benign (2). 1 of the submissions does not count toward it. Last evaluated 2025-11-03.

Conditions:
KIF1B-related disorder. Also called: KIF1B-related condition.
Charcot-Marie-Tooth disease type 2. Also called: Charcot-Marie-Tooth type 2. Identifiers: Orphanet 64746, MedGen C0270914, MONDO:0018993.

Allele frequency attached by ClinVar (database versions not stated): gnomAD 0.00001; TOPMed 0.00002; gnomAD exomes 0.00002.
gnomAD v4.1: 24 of 1,614,088 alleles (0.0015%); highest among the groups gnomAD compares: Admixed American, 0.0033%; no homozygotes.

Submissions (3):

Labcorp Genetics (formerly Invitae), Labcorp
Classification: Likely benign for Charcot-Marie-Tooth disease type 2. Last evaluated: 2025-11-03. Review status: criteria provided, single submitter. Criteria: Invitae Variant Classification Sherloc (09022015). Collection method: clinical testing. Allele origin: germline.

Ambry Genetics
Classification: Likely benign. Last evaluated: 2021-03-18. Review status: criteria provided, single submitter. Criteria: Ambry Variant Classification Scheme 2023. Collection method: clinical testing. Allele origin: germline.

PreventionGenetics, part of Exact Sciences
Classification: Likely benign for KIF1B-related condition. Last evaluated: 2022-03-18. Review status: no assertion criteria provided. Collection method: clinical testing. Allele origin: germline. Not counted in ClinVar's aggregate classification.
Comment: This variant is classified as likely benign based on ACMG/AMP sequence variant interpretation guidelines (Richards et al. 2015 PMID: 25741868, with internal and published modifications).